The following is an entry in ClinVar:

ClinVar aggregate classification (germline): Uncertain significance (1 of 4 stars; one submission).

Conditions:
Joubert syndrome 6 (JBTS6). Identifiers: Orphanet 475, MedGen C1853153, MONDO:0012539, OMIM 610688.

Submission:

Broad Center for Mendelian Genomics, Broad Institute of MIT and Harvard
Classification: Uncertain significance for Joubert syndrome 6. Last evaluated: 2024-05-22. Review status: criteria provided, single submitter. Criteria: ACMG Guidelines, 2015. Collection method: curation. Allele origin: germline. Inheritance: Autosomal recessive inheritance.
Comment: The variant has not been previously reported in individuals with Joubert syndrome 6, and was absent from large population studies. Computational prediction tools and conservation analyses suggest that this variant may impact the protein, though this information is not predictive enough to determine pathogenicity. In summary, the clinical significance of the p.Gly211Cys variant is uncertain. ACMG/AMP Criteria applied: PM3_Supporting, PM2_Supporting, PP3_Moderate (Richards 2015).

NM_153704.6(TMEM67):c.413G>T (p.Arg138Ile)

Gene: TMEM67 (transmembrane protein 67; plus strand). Cytogenetic location: 8q22.1.
Variant type: single nucleotide variant.
Coding change: c.413G>T on transcript NM_153704.6 (MANE Select); coding-DNA position 413, G replaced by T.
Protein change: p.Arg138Ile; replaces arginine 138 with isoleucine.
Molecular consequence: missense variant. On other transcripts: non-coding transcript variant (1).
Genome position (GRCh38, 1-based): chr8:93,763,848, G>T. VCF-style: chr8-93763848-G-T. GRCh37 (hg19) VCF-style: chr8-94776076-G-T.
Other names: NR_024522.2:n.434G>T; c.170G>T, p.Arg57Ile (NM_001142301.1); short protein forms R138I, R57I.
Identifiers: ClinVar variation 3236677 (VCV003236677.1), dbSNP rs2536784408, ClinGen allele CA371686291.